The following is an entry in ClinVar:

ClinVar aggregate classification (germline): Uncertain significance (1 of 4 stars; one submission).

Conditions:
Fetal akinesia deformation sequence 1 (FADS1). Also called: Fetal akinesia sequence; Pena-Shokeir syndrome type I. Identifiers: Orphanet 994, MedGen C1276035, MONDO:0100101, OMIM 208150, HP:0001989.
Congenital myasthenic syndrome 9. Also called: Myasthenic syndrome, congenital, 9, associated with acetylcholine receptor deficiency. Identifiers: Orphanet 590, MedGen C4225368, MONDO:0014587, OMIM 616325.

Allele frequency attached by ClinVar (database versions not stated): TOPMed below 0.00001; gnomAD 0.00001.
gnomAD v4.1: 1 of 1,613,700 alleles (0.000062%); highest among the groups gnomAD compares: African/African-American, 0.0013%; no homozygotes.

Submission:

Labcorp Genetics (formerly Invitae), Labcorp
Classification: Uncertain significance for Congenital myasthenic syndrome 9; Fetal akinesia deformation sequence 1. Last evaluated: 2022-02-03. Review status: criteria provided, single submitter. Criteria: Invitae Variant Classification Sherloc (09022015). Collection method: clinical testing. Allele origin: germline.
Comment: In summary, the available evidence is currently insufficient to determine the role of this variant in disease. Therefore, it has been classified as a Variant of Uncertain Significance. Advanced modeling of protein sequence and biophysical properties (such as structural, functional, and spatial information, amino acid conservation, physicochemical variation, residue mobility, and thermodynamic stability) performed at Invitae indicates that this missense variant is not expected to disrupt MUSK protein function. ClinVar contains an entry for this variant (Variation ID: 1023032). This variant has not been reported in the literature in individuals affected with MUSK-related conditions. This variant is not present in population databases (gnomAD no frequency). This sequence change replaces phenylalanine, which is neutral and non-polar, with cysteine, which is neutral and slightly polar, at codon 292 of the MUSK protein (p.Phe292Cys).

NM_005592.4(MUSK):c.875T>G (p.Phe292Cys)

Gene: MUSK (muscle associated receptor tyrosine kinase; plus strand). Cytogenetic location: 9q31.3.
Variant type: single nucleotide variant.
Coding change: c.875T>G on transcript NM_005592.4 (MANE Select); coding-DNA position 875, T replaced by G.
Protein change: p.Phe292Cys; replaces phenylalanine 292 with cysteine.
Molecular consequence: missense variant. On other transcripts: 5 prime UTR variant (1).
Genome position (GRCh38, 1-based): chr9:110,747,762, T>G. VCF-style: chr9-110747762-T-G. GRCh37 (hg19) VCF-style: chr9-113510042-T-G.
Other names: c.905T>G, p.Phe302Cys (NM_001166280.2); c.875T>G, p.Phe292Cys (NM_001166281.2); c.-362T>G (NM_001369398.1); short protein forms F292C, F302C.
Identifiers: ClinVar variation 1023032 (VCV001023032.9), dbSNP rs1416891382, ClinGen allele CA374668399.